The following is an entry in ClinVar:

ClinVar aggregate classification (germline): Pathogenic (1 of 4 stars; one submission).

Conditions:
Propionic acidemia (PROP). Also called: GLYCINEMIA, KETOTIC; HYPERGLYCINEMIA WITH KETOACIDOSIS AND LEUKOPENIA; KETOTIC HYPERGLYCINEMIA. Identifiers: Orphanet 35, MedGen C0268579, MONDO:0011628, OMIM 606054, HP:0003571.

Submission:

Myriad Genetics, Inc.
Classification: Pathogenic for Propionic acidemia. Last evaluated: 2025-12-21. Review status: criteria provided, single submitter. Criteria: Myriad Autosomal Dominant, Autosomal Recessive and X-Linked Classification Criteria (2023). Collection method: clinical testing. Allele origin: unknown.
Comment: NM_000532.4(PCCB):c.386_387delTT(F129Wfs*31) is expected to be pathogenic in the context of PCCB-related propionic acidemia. This variant is predicted to lead to an abnormal or absent protein product due to the creation of a premature termination codon in PCCB, a gene where loss-of-function variants are known to be pathogenic. Please note: this variant was assessed in the context of healthy population screening.

NM_000532.5(PCCB):c.386_387del (p.Phe129fs)

Gene: PCCB (propionyl-CoA carboxylase subunit beta; plus strand). Cytogenetic location: 3q22.3.
Variant type: Deletion.
Coding change: c.386_387del on transcript NM_000532.5 (MANE Select); coding-DNA positions 386 to 387, 2 bases deleted (TT; older notation c.386_387delTT).
Protein change: p.Phe129fs; shifts the reading frame from phenylalanine 129.
Molecular consequence: frameshift variant.
Genome position (GRCh38, 1-based): chr3:136,260,492-136,260,493, TT deleted; deleting any 2 consecutive bases within chr3:136,260,489-136,260,493 gives the same sequence; the c. name uses the placement nearest the transcript's 3' end. VCF-style (leftmost placement, unchanged base first): chr3-136260488-GTT-G. GRCh37 (hg19) VCF-style: chr3-135979330-GTT-G.
Other names: c.446_447del, p.Phe149fs (NM_001178014.2); short protein forms F129fs, F149fs.
Identifiers: ClinVar variation 5015352 (VCV005015352.1).